The following is an entry in ClinVar:

NM_024652.6(LRRK1):c.4365C>A (p.Tyr1455Ter)

Genes: LRRK1 (leucine rich repeat kinase 1; plus strand), LRRK1-AS1 (LRRK1 antisense RNA 1; minus strand). Cytogenetic location: 15q26.3.
Variant type: single nucleotide variant.
Coding change: c.4365C>A on transcript NM_024652.6 (MANE Select); coding-DNA position 4365, C replaced by A.
Protein change: p.Tyr1455Ter; replaces tyrosine 1455 with a stop codon.
Molecular consequence: nonsense.
Genome position (GRCh38, 1-based): chr15:101,056,888, C>A. VCF-style: chr15-101056888-C-A. GRCh37 (hg19) VCF-style: chr15-101597093-C-A.
Other names: short protein forms Y1455*.
Identifiers: ClinVar variation 3727699 (VCV003727699.2).
Genomic context (GRCh38, chr15:101,056,888, plus strand): 5'-GACCTGACTTGGCTTGTTCTGTGCCCAGGTAGATATGTTCTCCTATGGAATGGTGCTCTA[C>A]GAGTTGCTGTCAGGACAGCGCCCTGCACTGGGCCACCACCAGCTCCAGATTGCCAAGAAG-3'

ClinVar aggregate classification (germline): Pathogenic (1 of 4 stars; one submission).

Submission:

Labcorp Genetics (formerly Invitae), Labcorp
Classification: Pathogenic. Last evaluated: 2024-12-31. Review status: criteria provided, single submitter. Criteria: Invitae Variant Classification Sherloc (09022015). Collection method: clinical testing. Allele origin: germline.
Comment: This sequence change creates a premature translational stop signal (p.Tyr1455*) in the LRRK1 gene. It is expected to result in an absent or disrupted protein product. Loss-of-function variants in LRRK1 are known to be pathogenic (PMID: 23526378, 31571209, 32119750). This variant is not present in population databases (gnomAD no frequency). This variant has not been reported in the literature in individuals affected with LRRK1-related conditions. For these reasons, this variant has been classified as Pathogenic.

Literature cited by the submitters: PubMed 23526378; PubMed 31571209; PubMed 32119750.